The following is an entry in ClinVar:

ClinVar aggregate classification (germline): Likely benign (1 of 4 stars; one submission).

Allele frequency attached by ClinVar (database versions not stated): 1000 Genomes Project 0.00040; 1000 Genomes Project 30x 0.00062.
gnomAD v4.1: 129 of 1,613,772 alleles (0.008%); highest among the groups gnomAD compares: South Asian, 0.14%; 2 homozygotes.

Submission:

CeGaT Center for Human Genetics Tuebingen
Classification: Likely benign. Last evaluated: 2022-12-01. Review status: criteria provided, single submitter. Criteria: CeGaT Center For Human Genetics Tuebingen Variant Classification Criteria Version 2. Collection method: clinical testing. Allele origin: germline. Affected: yes. Observed: 1 variant allele.
Comment: REV3L: BP4, BP7

NM_001372078.1(REV3L):c.9342T>C (p.Asn3114=)

Gene: REV3L (REV3 like, DNA directed polymerase zeta catalytic subunit; minus strand). Cytogenetic location: 6q21.
Variant type: single nucleotide variant.
Coding change: c.9342T>C on transcript NM_001372078.1 (MANE Select); coding-DNA position 9342, T replaced by C.
Protein change: p.Asn3114=; no amino-acid change (asparagine 3114 retained).
Molecular consequence: synonymous variant.
Genome position (GRCh38, 1-based): chr6:111,300,067, A>G on the plus strand (T>C on the coding strand, the complement: REV3L is on the minus strand). VCF-style: chr6-111300067-A-G. GRCh37 (hg19) VCF-style: chr6-111621270-A-G.
Other names: c.9108T>C, p.Asn3036= (NM_001286431.2, NM_001286432.2); c.9342T>C, p.Asn3114= (NM_002912.5).
Identifiers: ClinVar variation 2656850 (VCV002656850.24), dbSNP rs532657290, ClinGen allele CA3961032.